The following is an entry in ClinVar:

NM_002769.5(PRSS1):c.595G>A (p.Asp199Asn)

Genes: PRSS1 (serine protease 1; plus strand), TRB (T cell receptor beta locus; plus strand). Cytogenetic location: 7q34.
Variant type: single nucleotide variant.
Coding change: c.595G>A on transcript NM_002769.5 (MANE Select); coding-DNA position 595, G replaced by A.
Protein change: p.Asp199Asn; replaces aspartic acid 199 with asparagine.
Molecular consequence: missense variant. On other transcripts: non-coding transcript variant (5).
Genome position (GRCh38, 1-based): chr7:142,752,871, G>A. VCF-style: chr7-142752871-G-A. GRCh37 (hg19) VCF-style: chr7-142460722-G-A.
Other names: short protein forms D199N.
Identifiers: ClinVar variation 3641744 (VCV003641744.2).
Genomic context (GRCh38, chr7:142,752,871, plus strand): 5'-AATGTAGCTATATTCCTCCTCCATCTCTCCATACAACTTGTCCCTTCTTCCCCCCAGGGT[G>A]ATTCTGGTGGCCCTGTGGTCTGCAATGGACAGCTCCAAGGAGTTGTCTCCTGGGGTGATG-3'
Protein context (NP_002760.1, residues 189-209): LEGGKDSCQG[Asp199Asn]SGGPVVCNGQ

ClinVar aggregate classification (germline): Uncertain significance (1 of 4 stars; one submission).

Conditions:
Hereditary pancreatitis (PCTT). Also called: PRSS1-Related Hereditary Pancreatitis; Hereditary chronic pancreatitis. Identifiers: Orphanet 676, MedGen C0238339, MONDO:0008185, OMIM 167800.

Submission:

Labcorp Genetics (formerly Invitae), Labcorp
Classification: Uncertain significance for Hereditary pancreatitis. Last evaluated: 2024-02-17. Review status: criteria provided, single submitter. Criteria: Invitae Variant Classification Sherloc (09022015). Collection method: clinical testing. Allele origin: germline.
Comment: This sequence change replaces aspartic acid, which is acidic and polar, with asparagine, which is neutral and polar, at codon 199 of the PRSS1 protein (p.Asp199Asn). This variant is not present in population databases (gnomAD no frequency). This variant has not been reported in the literature in individuals affected with PRSS1-related conditions. Advanced modeling of protein sequence and biophysical properties (such as structural, functional, and spatial information, amino acid conservation, physicochemical variation, residue mobility, and thermodynamic stability) performed at Invitae indicates that this missense variant is expected to disrupt PRSS1 protein function with a positive predictive value of 80%. In summary, the available evidence is currently insufficient to determine the role of this variant in disease. Therefore, it has been classified as a Variant of Uncertain Significance.